The following is an entry in ClinVar:

NM_007187.5(WBP4):c.864T>C (p.Leu288=)

Gene: WBP4 (WW domain binding protein 4; plus strand). Cytogenetic location: 13q14.11.
Variant type: single nucleotide variant.
Coding change: c.864T>C on transcript NM_007187.5 (MANE Select); coding-DNA position 864, T replaced by C.
Protein change: p.Leu288=; no amino-acid change (leucine 288 retained).
Molecular consequence: synonymous variant.
Genome position (GRCh38, 1-based): chr13:41,080,753, T>C. VCF-style: chr13-41080753-T-C. GRCh37 (hg19) VCF-style: chr13-41654889-T-C.
Identifiers: ClinVar variation 4822427 (VCV004822427.4).

ClinVar aggregate classification (germline): Likely benign (1 of 4 stars; one submission).

gnomAD v4.1: 27 of 1,607,474 alleles (0.0017%); highest among the groups gnomAD compares: Non-Finnish European, 0.0021%; no homozygotes.

Submission:

CeGaT Center for Human Genetics Tuebingen
Classification: Likely benign. Last evaluated: 2026-02-01. Review status: criteria provided, single submitter. Criteria: CeGaT Center For Human Genetics Tuebingen Variant Classification Criteria Version 2. Collection method: clinical testing. Allele origin: germline. Affected: yes. Observed: 1 variant allele.
Comment: WBP4: BP4, BP7